The following is an entry in ClinVar:

ClinVar aggregate classification (germline): Uncertain significance. Review status: criteria provided, multiple submitters, no conflicts (2 of 4 stars). 2 submissions from 2 submitters: Uncertain significance (2). Last evaluated 2025-12-08.

Allele frequency attached by ClinVar (database versions not stated): ExAC 0.00005; gnomAD 0.00009; TOPMed 0.00010; 1000 Genomes Project 0.00060; 1000 Genomes Project 30x 0.00094.
gnomAD v4.1: 20 of 1,605,570 alleles (0.0012%); highest among the groups gnomAD compares: African/African-American, 0.025%; no homozygotes.

Submissions (2):

Ambry Genetics
Classification: Uncertain significance. Last evaluated: 2025-12-08. Review status: criteria provided, single submitter. Criteria: Ambry Variant Classification Scheme 2023. Collection method: clinical testing. Allele origin: germline.

Labcorp Genetics (formerly Invitae), Labcorp
Classification: Uncertain significance. Last evaluated: 2025-02-10. Review status: criteria provided, single submitter. Criteria: Invitae Variant Classification Sherloc (09022015). Collection method: clinical testing. Allele origin: germline.
Comment: This sequence change replaces glycine, which is neutral and non-polar, with cysteine, which is neutral and slightly polar, at codon 84 of the KL protein (p.Gly84Cys). The frequency data for this variant in the population databases is considered unreliable, as metrics indicate poor data quality at this position in the gnomAD database. This variant has not been reported in the literature in individuals affected with KL-related conditions. ClinVar contains an entry for this variant (Variation ID: 1927863). Invitae Evidence Modeling of protein sequence and biophysical properties (such as structural, functional, and spatial information, amino acid conservation, physicochemical variation, residue mobility, and thermodynamic stability) indicates that this missense variant is expected to disrupt KL protein function with a positive predictive value of 80%. In summary, the available evidence is currently insufficient to determine the role of this variant in disease. Therefore, it has been classified as a Variant of Uncertain Significance.

NM_004795.4(KL):c.250G>T (p.Gly84Cys)

Gene: KL (klotho; plus strand). Cytogenetic location: 13q13.1.
Variant type: single nucleotide variant.
Coding change: c.250G>T on transcript NM_004795.4 (MANE Select); coding-DNA position 250, G replaced by T.
Protein change: p.Gly84Cys; replaces glycine 84 with cysteine.
Molecular consequence: missense variant.
Genome position (GRCh38, 1-based): chr13:33,016,690, G>T. VCF-style: chr13-33016690-G-T. GRCh37 (hg19) VCF-style: chr13-33590828-G-T.
Other names: c.250G>T (NM_004795.3); short protein forms G84C.
Identifiers: ClinVar variation 1927863 (VCV001927863.6), dbSNP rs532492897, ClinGen allele CA6943848.